The following is an entry in ClinVar:

ClinVar aggregate classification (germline): Uncertain significance (1 of 4 stars; one submission).

Conditions:
Bardet-Biedl syndrome (BBS). Identifiers: Orphanet 110, MedGen C0752166, MONDO:0015229.

Submission:

Labcorp Genetics (formerly Invitae), Labcorp
Classification: Uncertain significance for Bardet-Biedl syndrome. Last evaluated: 2021-09-14. Review status: criteria provided, single submitter. Criteria: Invitae Variant Classification Sherloc (09022015). Collection method: clinical testing. Allele origin: germline.
Comment: Algorithms developed to predict the effect of missense changes on protein structure and function (SIFT, PolyPhen-2, Align-GVGD) all suggest that this variant is likely to be disruptive. This variant has not been reported in the literature in individuals affected with BBS2-related conditions. This variant is not present in population databases (ExAC no frequency). This sequence change replaces tyrosine with aspartic acid at codon 229 of the BBS2 protein (p.Tyr229Asp). The tyrosine residue is highly conserved and there is a large physicochemical difference between tyrosine and aspartic acid. In summary, the available evidence is currently insufficient to determine the role of this variant in disease. Therefore, it has been classified as a Variant of Uncertain Significance.

NM_031885.5(BBS2):c.685T>G (p.Tyr229Asp)

Gene: BBS2 (Bardet-Biedl syndrome 2; minus strand). Cytogenetic location: 16q13.
Variant type: single nucleotide variant.
Coding change: c.685T>G on transcript NM_031885.5 (MANE Select); coding-DNA position 685, T replaced by G.
Protein change: p.Tyr229Asp; replaces tyrosine 229 with aspartic acid.
Molecular consequence: missense variant. On other transcripts: non-coding transcript variant (5).
Genome position (GRCh38, 1-based): chr16:56,506,152, A>C on the plus strand (T>G on the coding strand, the complement: BBS2 is on the minus strand). VCF-style: chr16-56506152-A-C. GRCh37 (hg19) VCF-style: chr16-56540064-A-C.
Other names: c.685T>G, p.Tyr229Asp (NM_001377456.1); short protein forms Y229D.
Identifiers: ClinVar variation 1377822 (VCV001377822.6), dbSNP rs778543585, ClinGen allele CA395982976.
Genomic context (GRCh38, chr16:56,506,152, plus strand): 5'-TGAATATCAAAGGCTAAATTATACTAACTTTAATTCTCCAGTATCGGGATGTTTTGTCAT[A>C]AACTCCAACTGTGCCATTGGAAAGGGCATAACCAAATCGACTGCCATACATGGGACAAAG-3'
Protein context (NP_114091.4, residues 219-239): YALSNGTVGV[Tyr229Asp]DKTSRYWRIK